The following is an entry in ClinVar:

NM_031844.3(HNRNPU):c.565G>A (p.Gly189Ser)

Gene: HNRNPU (heterogeneous nuclear ribonucleoprotein U; minus strand). Cytogenetic location: 1q44.
Variant type: single nucleotide variant.
Coding change: c.565G>A on transcript NM_031844.3 (MANE Select); coding-DNA position 565, G replaced by A.
Protein change: p.Gly189Ser; replaces glycine 189 with serine.
Molecular consequence: missense variant.
Genome position (GRCh38, 1-based): chr1:244,863,743, C>T on the plus strand (G>A on the coding strand, the complement: HNRNPU is on the minus strand). VCF-style: chr1-244863743-C-T. GRCh37 (hg19) VCF-style: chr1-245027045-C-T.
Other names: c.565G>A, p.Gly189Ser (NM_004501.3); short protein forms G189S.
Identifiers: ClinVar variation 1436887 (VCV001436887.8), dbSNP rs368440067, ClinGen allele CA1486776.

ClinVar aggregate classification (germline): Uncertain significance (1 of 4 stars; one submission).

Conditions:
Developmental and epileptic encephalopathy, 54. Also called: Epileptic encephalopathy, early infantile, 54; HNRNPU-Related Neurodevelopmental Disorder. Identifiers: MedGen C4479319, MONDO:0033363, OMIM 617391.

Allele frequency attached by ClinVar (database versions not stated): TOPMed below 0.00001; gnomAD 0.00001; gnomAD exomes 0.00001; ExAC 0.00002; ESP Exome Variant Server 0.00008.
gnomAD v4.1: 6 of 1,579,094 alleles (0.00038%); highest among the groups gnomAD compares: East Asian, 0.0023%; no homozygotes.

Submission:

Labcorp Genetics (formerly Invitae), Labcorp
Classification: Uncertain significance for Developmental and epileptic encephalopathy, 54. Last evaluated: 2025-04-17. Review status: criteria provided, single submitter. Criteria: Invitae Variant Classification Sherloc (09022015). Collection method: clinical testing. Allele origin: germline.
Comment: This sequence change replaces glycine, which is neutral and non-polar, with serine, which is neutral and polar, at codon 189 of the HNRNPU protein (p.Gly189Ser). The frequency data for this variant in the population databases is considered unreliable, as metrics indicate poor data quality at this position in the gnomAD database. This missense change has been observed in individual(s) with clinical features of HNRNPU-related conditions (internal data). ClinVar contains an entry for this variant (Variation ID: 1436887). Invitae Evidence Modeling of protein sequence and biophysical properties (such as structural, functional, and spatial information, amino acid conservation, physicochemical variation, residue mobility, and thermodynamic stability) indicates that this missense variant is not expected to disrupt HNRNPU protein function with a negative predictive value of 95%. In summary, the available evidence is currently insufficient to determine the role of this variant in disease. Therefore, it has been classified as a Variant of Uncertain Significance.